The following is an entry in ClinVar:

NM_000059.4(BRCA2):c.7895C>T (p.Ala2632Val)

Gene: BRCA2 (BRCA2 DNA repair associated; plus strand). Cytogenetic location: 13q13.1.
Variant type: single nucleotide variant.
Coding change: c.7895C>T on transcript NM_000059.4 (MANE Select); coding-DNA position 7895, C replaced by T.
Protein change: p.Ala2632Val; replaces alanine 2632 with valine.
Molecular consequence: missense variant.
Genome position (GRCh38, 1-based): chr13:32,362,612, C>T. VCF-style: chr13-32362612-C-T. GRCh37 (hg19) VCF-style: chr13-32936749-C-T.
Other names: short protein forms A2632V.
Identifiers: ClinVar variation 923250 (VCV000923250.14), dbSNP rs765839296, ClinGen allele CA387747137.

ClinVar aggregate classification (germline): Conflicting classifications of pathogenicity. Review status: criteria provided, conflicting classifications (1 of 4 stars). 3 submissions from 3 submitters: Uncertain significance (2); Likely benign (1). Last evaluated 2022-01-05.

Conditions:
Hereditary breast ovarian cancer syndrome. Also called: BRCA1- and BRCA2-Associated Hereditary Breast and Ovarian Cancer; Hereditary breast and ovarian cancer syndrome; Hereditary breast and ovarian cancer; Hereditary breast and ovarian cancer syndrome (HBOC); Breast and ovarian cancer; Hereditary breast and/or ovarian cancer syndrome. Identifiers: Orphanet 145, MedGen C0677776, MeSH D061325, MONDO:0003582. Disease mechanism: loss of function.
Hereditary cancer-predisposing syndrome. Also called: Neoplastic Syndromes, Hereditary; Tumor predisposition; Hereditary Cancer Syndrome; Hereditary neoplastic syndrome. Identifiers: Orphanet 140162, MedGen C0027672, MeSH D009386, MONDO:0015356.

Allele frequency attached by ClinVar (database versions not stated): gnomAD exomes below 0.00001.
gnomAD v4.1: 1 of 1,614,152 alleles (0.000062%); highest among the groups gnomAD compares: South Asian, 0.0011%; no homozygotes.

Submissions (3):

Ambry Genetics
Classification: Likely benign for Hereditary cancer-predisposing syndrome. Last evaluated: 2022-01-05. Review status: criteria provided, single submitter. Criteria: Ambry Variant Classification Scheme 2023. Collection method: clinical testing. Allele origin: germline.

Labcorp Genetics (formerly Invitae), Labcorp
Classification: Uncertain significance for Hereditary breast ovarian cancer syndrome. Last evaluated: 2020-07-24. Review status: criteria provided, single submitter. Criteria: Invitae Variant Classification Sherloc (09022015). Collection method: clinical testing. Allele origin: germline.
Comment: In summary, the available evidence is currently insufficient to determine the role of this variant in disease. Therefore, it has been classified as a Variant of Uncertain Significance. Algorithms developed to predict the effect of sequence changes on RNA splicing suggest that this variant may create or strengthen a splice site, but this prediction has not been confirmed by published transcriptional studies. Algorithms developed to predict the effect of missense changes on protein structure and function (SIFT, PolyPhen-2, Align-GVGD) all suggest that this variant is likely to be disruptive, but these predictions have not been confirmed by published functional studies and their clinical significance is uncertain. This variant has not been reported in the literature in individuals with BRCA2-related disease. This variant is not present in population databases (ExAC no frequency). This sequence change replaces alanine with valine at codon 2632 of the BRCA2 protein (p.Ala2632Val). The alanine residue is highly conserved and there is a small physicochemical difference between alanine and valine.

Color Diagnostics, LLC DBA Color Health
Classification: Uncertain significance for Hereditary cancer-predisposing syndrome. Last evaluated: 2019-04-14. Review status: criteria provided, single submitter. Criteria: ACMG Guidelines, 2015. Collection method: clinical testing. Allele origin: germline.